The following is an entry in ClinVar:

ClinVar aggregate classification (germline): Uncertain significance (1 of 4 stars; one submission).

gnomAD v4.1: 1 of 1,613,458 alleles (0.000062%); highest among the groups gnomAD compares: East Asian, 0.0022%; no homozygotes.

Submission:

Labcorp Genetics (formerly Invitae), Labcorp
Classification: Uncertain significance. Last evaluated: 2022-05-21. Review status: criteria provided, single submitter. Criteria: Invitae Variant Classification Sherloc (09022015). Collection method: clinical testing. Allele origin: germline.
Comment: In summary, the available evidence is currently insufficient to determine the role of this variant in disease. Therefore, it has been classified as a Variant of Uncertain Significance. Algorithms developed to predict the effect of missense changes on protein structure and function are either unavailable or do not agree on the potential impact of this missense change (SIFT: "Tolerated"; PolyPhen-2: "Probably Damaging"; Align-GVGD: "Class C0"). This variant has not been reported in the literature in individuals affected with MSH3-related conditions. This variant is not present in population databases (gnomAD no frequency). This sequence change replaces cysteine, which is neutral and slightly polar, with tyrosine, which is neutral and polar, at codon 1015 of the MSH3 protein (p.Cys1015Tyr).

NM_002439.5(MSH3):c.3044G>A (p.Cys1015Tyr)

Gene: MSH3 (mutS homolog 3; plus strand). Cytogenetic location: 5q14.1.
Variant type: single nucleotide variant.
Coding change: c.3044G>A on transcript NM_002439.5 (MANE Select); coding-DNA position 3044, G replaced by A.
Protein change: p.Cys1015Tyr; replaces cysteine 1015 with tyrosine.
Molecular consequence: missense variant.
Genome position (GRCh38, 1-based): chr5:80,864,856, G>A. VCF-style: chr5-80864856-G-A. GRCh37 (hg19) VCF-style: chr5-80160675-G-A.
Other names: short protein forms C1015Y.
Identifiers: ClinVar variation 1351317 (VCV001351317.8), dbSNP rs2112118419, ClinGen allele CA360346196.